The following is an entry in ClinVar:

ClinVar aggregate classification (germline): Likely pathogenic (1 of 4 stars; one submission).

Conditions:
Waardenburg syndrome type 1 (WS1). Also called: WAARDENBURG SYNDROME WITH DYSTOPIA CANTHORUM; Waardenburg Syndrome Type I. Identifiers: Orphanet 894, MedGen C1847800, MONDO:0008670, OMIM 193500.

Submission:

Institute of Rare Diseases, West China Hospital, Sichuan University
Classification: Likely pathogenic for Waardenburg syndrome type 1. Last evaluated: 2025-01-09. Review status: criteria provided, single submitter. Criteria: ClinGen HL ACMG Specifications v1. Collection method: research. Allele origin: germline. Affected: yes.
Comment: PM1;PM5;PM2_Supporting;PP3

NM_181458.4(PAX3):c.240C>A (p.His80Gln)

Gene: PAX3 (paired box 3; minus strand). Cytogenetic location: 2q36.1.
Variant type: single nucleotide variant.
Coding change: c.240C>A on transcript NM_181458.4 (MANE Select); coding-DNA position 240, C replaced by A.
Protein change: p.His80Gln; replaces histidine 80 with glutamine.
Molecular consequence: missense variant.
Genome position (GRCh38, 1-based): chr2:222,297,059, G>T on the plus strand (C>A on the coding strand, the complement: PAX3 is on the minus strand). VCF-style: chr2-222297059-G-T. GRCh37 (hg19) VCF-style: chr2-223161778-G-T.
Other names: c.240C>A, p.His80Gln (NM_000438.6, NM_001127366.3, NM_013942.5 and 4 more transcripts); short protein forms H80Q.
Identifiers: ClinVar variation 3601576 (VCV003601576.1).